The following is an entry in ClinVar:

ClinVar aggregate classification (germline): Uncertain significance (1 of 4 stars; one submission).

Conditions:
Primary dilated cardiomyopathy (DCM). Also called: Dilated Cardiomyopathy. Identifiers: Orphanet 217604, MedGen C0007193, MeSH D002311, MONDO:0005021, HP:0001644. Inheritance: Various modes of inheritance.

Allele frequency attached by ClinVar (database versions not stated): TOPMed 0.00002; ESP Exome Variant Server 0.00023.
gnomAD v4.1: 98 of 1,613,630 alleles (0.0061%); highest among the groups gnomAD compares: Non-Finnish European, 0.0076%; no homozygotes.

Submission:

Labcorp Genetics (formerly Invitae), Labcorp
Classification: Uncertain significance for Primary dilated cardiomyopathy. Last evaluated: 2025-05-25. Review status: criteria provided, single submitter. Criteria: Invitae Variant Classification Sherloc (09022015). Collection method: clinical testing. Allele origin: germline.
Comment: This sequence change replaces proline, which is neutral and non-polar, with leucine, which is neutral and non-polar, at codon 916 of the NEBL protein (p.Pro916Leu). This variant is present in population databases (rs143149169, gnomAD 0.02%). This missense change has been observed in individual(s) with left ventricular noncompaction (PMID: 27186169). ClinVar contains an entry for this variant (Variation ID: 454272). An algorithm developed to predict the effect of missense changes on protein structure and function outputs the following: PolyPhen-2: "Benign". The leucine amino acid residue is found in multiple mammalian species, which suggests that this missense change does not adversely affect protein function. Algorithms developed to predict the effect of sequence changes on RNA splicing suggest that this variant may disrupt the consensus splice site. In summary, the available evidence is currently insufficient to determine the role of this variant in disease. Therefore, it has been classified as a Variant of Uncertain Significance.

Literature cited by the submitters: PubMed 27186169.

NM_006393.3(NEBL):c.2747C>T (p.Pro916Leu)

Gene: NEBL (nebulette; minus strand). Cytogenetic location: 10p12.31.
Variant type: single nucleotide variant.
Coding change: c.2747C>T on transcript NM_006393.3 (MANE Select); coding-DNA position 2747, C replaced by T.
Protein change: p.Pro916Leu; replaces proline 916 with leucine.
Molecular consequence: missense variant. On other transcripts: intron variant (9).
Genome position (GRCh38, 1-based): chr10:20,808,524, G>A on the plus strand (C>T on the coding strand, the complement: NEBL is on the minus strand). VCF-style: chr10-20808524-G-A. GRCh37 (hg19) VCF-style: chr10-21097453-G-A.
Other names: c.421+4245C>T (NM_001377326.1, NM_001377327.1, NM_001377328.1); c.529+4245C>T (NM_213569.2, NM_001173484.2); c.622+1282C>T (NM_001377322.1); c.472+4245C>T (NM_001377324.1); c.463+4245C>T (NM_001377325.1); c.481+4245C>T (NM_001377323.1); short protein forms P916L.
Identifiers: ClinVar variation 454272 (VCV000454272.9), dbSNP rs143149169, ClinGen allele CA5432349.